The following is an entry in ClinVar:

ClinVar aggregate classification (germline): Pathogenic (0 of 4 stars; one submission).

Conditions:
Marfan syndrome (MFS). Also called: MARFAN SYNDROME, TYPE I; Marfan syndrome type 1; Marfan's syndrome; FBN1-Related Marfan Syndrome; Marfan syndrome, classic. Identifiers: Orphanet 284963, Orphanet 558, MedGen C0024796, MONDO:0007947, OMIM 154700.

Submission:

Department of Laboratory Medicine and Genetics, Samsung Medical Center
Classification: Pathogenic for Marfan syndrome. Last evaluated: 2025-01-02. Review status: no assertion criteria provided. Collection method: clinical testing. Allele origin: germline. Affected: yes.
Comment: The NM_000138.5:c.4982G>A is considered to be rare in the general population database (gnomAD v2.1.1). This variant is predicted to be deleterious by in-silico analysis (REVEL). This variant is located in functional domains and a different missense variant at the same residue is determined to be pathogenic (c.4981G>A, p.Gly1661Arg). This variant was found in a patient with ectopia lentis (PMID: 34281902; 34550612; 38190127). According to the ClinGen guidance for PP1/BS4 and PP4 criteria (PMID: 38103548), PP4 with weighted strength was applied. In summary, this variant was classified as a pathogenic variant for Marfan syndrome (PM1, PM5, PS4_M, PP2, PP3, PP4 with weighted strength, PM2_P).

Literature cited by the submitters: PubMed 34281902; PubMed 34550612; PubMed 37558401; PubMed 38190127.

NM_000138.5(FBN1):c.4982G>A (p.Gly1661Glu)

Gene: FBN1 (fibrillin 1; minus strand). Cytogenetic location: 15q21.1.
Variant type: single nucleotide variant.
Coding change: c.4982G>A on transcript NM_000138.5 (MANE Select); coding-DNA position 4982, G replaced by A.
Protein change: p.Gly1661Glu; replaces glycine 1661 with glutamic acid.
Molecular consequence: missense variant.
Genome position (GRCh38, 1-based): chr15:48,463,982, C>T on the plus strand (G>A on the coding strand, the complement: FBN1 is on the minus strand). VCF-style: chr15-48463982-C-T. GRCh37 (hg19) VCF-style: chr15-48756179-C-T.
Other names: c.4982G>A, p.Gly1661Glu (NM_001406716.1); short protein forms G1661E.
Identifiers: ClinVar variation 3600242 (VCV003600242.1).